The following is an entry in ClinVar:

NM_001276345.2(TNNT2):c.109G>A (p.Ala37Thr)

Gene: TNNT2 (troponin T2, cardiac type; minus strand). Cytogenetic location: 1q32.1.
Variant type: single nucleotide variant.
Coding change: c.109G>A on transcript NM_001276345.2 (MANE Select); coding-DNA position 109, G replaced by A.
Protein change: p.Ala37Thr; replaces alanine 37 with threonine.
Molecular consequence: missense variant.
Genome position (GRCh38, 1-based): chr1:201,368,216, C>T on the plus strand (G>A on the coding strand, the complement: TNNT2 is on the minus strand). VCF-style: chr1-201368216-C-T. GRCh37 (hg19) VCF-style: chr1-201337344-C-T.
Other names: c.109G>A, p.Ala37Thr (NM_000364.4, NM_001276346.2, NM_001406723.1); c.79G>A, p.Ala27Thr (NM_001001430.3, NM_001001431.3, NM_001276347.2 and 4 more transcripts); c.64G>A, p.Ala22Thr (NM_001001432.3, NM_001406728.1); short protein forms A27T, A22T, A37T.
Identifiers: ClinVar variation 4789137 (VCV004789137.1).

ClinVar aggregate classification (germline): Uncertain significance (1 of 4 stars; one submission).

Conditions:
Hypertrophic cardiomyopathy 2. Also called: TNNT2-Related Familial Hypertrophic Cardiomyopathy. Identifiers: MedGen C1861864, MONDO:0007266, OMIM 115195.
Dilated cardiomyopathy 1D. Identifiers: Orphanet 154, Orphanet 54260, MedGen C1832243, MONDO:0011095, OMIM 601494.
Cardiomyopathy, familial restrictive, 3. Identifiers: Orphanet 75249, MedGen C2676271, MONDO:0012900, OMIM 612422.

Submission:

Labcorp Genetics (formerly Invitae), Labcorp
Classification: Uncertain significance for Cardiomyopathy, familial restrictive, 3; Hypertrophic cardiomyopathy 2; Dilated cardiomyopathy 1D. Last evaluated: 2026-01-14. Review status: criteria provided, single submitter. Criteria: Invitae Variant Classification Sherloc (09022015). Collection method: clinical testing. Allele origin: germline.
Comment: This sequence change replaces alanine, which is neutral and non-polar, with threonine, which is neutral and polar, at codon 27 of the TNNT2 protein (p.Ala27Thr). This variant is not present in population databases (gnomAD no frequency). This variant has not been reported in the literature in individuals affected with TNNT2-related conditions. Invitae Evidence Modeling of protein sequence and biophysical properties (such as structural, functional, and spatial information, amino acid conservation, physicochemical variation, residue mobility, and thermodynamic stability) has been performed for this missense variant. However, the output from this modeling did not meet the statistical confidence thresholds required to predict the impact of this variant on TNNT2 protein function. In summary, the available evidence is currently insufficient to determine the role of this variant in disease. Therefore, it has been classified as a Variant of Uncertain Significance.